The following is an entry in ClinVar:

ClinVar aggregate classification (germline): Uncertain significance. Review status: criteria provided, multiple submitters, no conflicts (2 of 4 stars). 2 submissions from 2 submitters: Uncertain significance (2). Last evaluated 2024-03-07.

Conditions:
Cardiomyopathy (CMYO). Also called: Cardiomyopathies. Identifiers: Orphanet 167848, MedGen C0878544, MONDO:0004994, HP:0001638. Inheritance: Various modes of inheritance.
Hypertrophic cardiomyopathy. Also called: HYPERTROPHIC MYOCARDIOPATHY. Identifiers: Orphanet 217569, MedGen C0007194, MeSH D002312, MONDO:0005045, HP:0001639.

gnomAD v4.1: 1 of 1,595,636 alleles (0.000063%); highest among the groups gnomAD compares: Non-Finnish European, 0.000085%; no homozygotes.

Submissions (2):

Color Diagnostics, LLC DBA Color Health
Classification: Uncertain significance for Cardiomyopathy. Last evaluated: 2024-03-07. Review status: criteria provided, single submitter. Criteria: ACMG Guidelines, 2015. Collection method: clinical testing. Allele origin: germline.
Comment: This missense variant replaces glutamic acid with aspartic acid at codon 314 of the MYBPC3 protein. Computational prediction suggests that this variant may not impact protein structure and function (internally defined REVEL score threshold <= 0.5, PMID: 27666373). To our knowledge, functional studies have not been reported for this variant. This variant has not been reported in individuals affected with MYBPC3-related disorders in the literature. This variant has not been identified in the general population by the Genome Aggregation Database (gnomAD). The available evidence is insufficient to determine the role of this variant in disease conclusively. Therefore, this variant is classified as a Variant of Uncertain Significance.

All of Us Research Program, National Institutes of Health
Classification: Uncertain significance for Hypertrophic cardiomyopathy. Last evaluated: 2023-07-19. Review status: criteria provided, single submitter. Criteria: ACMG Guidelines, 2015. Collection method: clinical testing. Allele origin: germline. Inheritance: Autosomal dominant inheritance. Observed: 1 variant allele, 1 heterozygote.
Comment: This missense variant replaces glutamic acid with aspartic acid at codon 314 of the MYBPC3 protein. Computational prediction suggests that this variant may not impact protein structure and function (internally defined REVEL score threshold <= 0.5, PMID: 27666373). To our knowledge, functional studies have not been reported for this variant. This variant has not been reported in individuals affected with MYBPC3-related disorders in the literature. This variant has not been identified in the general population by the Genome Aggregation Database (gnomAD). The available evidence is insufficient to determine the role of this variant in disease conclusively. Therefore, this variant is classified as a Variant of Uncertain Significance.

This study involves interpretation of variants in research participants for the purpose of population health screening. Participant phenotype was not available at the time of variant classification. Additional details can be found in publication PMID: 35346344, PMCID: PMC8962531

NM_000256.3(MYBPC3):c.942G>T (p.Glu314Asp)

Gene: MYBPC3 (myosin binding protein C3; minus strand). Cytogenetic location: 11p11.2.
Variant type: single nucleotide variant.
Coding change: c.942G>T on transcript NM_000256.3 (MANE Select); coding-DNA position 942, G replaced by T.
Protein change: p.Glu314Asp; replaces glutamic acid 314 with aspartic acid.
Molecular consequence: missense variant.
Genome position (GRCh38, 1-based): chr11:47,346,355, C>A on the plus strand (G>T on the coding strand, the complement: MYBPC3 is on the minus strand). VCF-style: chr11-47346355-C-A. GRCh37 (hg19) VCF-style: chr11-47367906-C-A.
Other names: short protein forms E314D.
Identifiers: ClinVar variation 2773758 (VCV002773758.3), dbSNP rs1286007018, ClinGen allele CA380332179.